The following is an entry in ClinVar:

ClinVar aggregate classification (germline): Likely benign. Review status: criteria provided, multiple submitters, no conflicts (2 of 4 stars). 4 submissions from 4 submitters: Likely benign (4). Last evaluated 2026-01-27.

Conditions:
Cardiomyopathy (CMYO). Also called: Cardiomyopathies. Identifiers: Orphanet 167848, MedGen C0878544, MONDO:0004994, HP:0001638. Inheritance: Various modes of inheritance.
Cardiovascular phenotype. Identifiers: MedGen CN230736.
Atrial septal defect 5 (ASD5). Identifiers: Orphanet 1478, MedGen C2748552, MONDO:0013011, OMIM 612794.
Dilated cardiomyopathy 1R (CMD1R). Identifiers: Orphanet 154, Orphanet 54260, MedGen C3150681, MONDO:0013261, OMIM 613424.
Hypertrophic cardiomyopathy 11. Also called: ACTC1-Related Familial Hypertrophic Cardiomyopathy. Identifiers: MedGen C2677506, MONDO:0012799, OMIM 612098.
Hypertrophic cardiomyopathy. Also called: HYPERTROPHIC MYOCARDIOPATHY. Identifiers: Orphanet 217569, MedGen C0007194, MeSH D002312, MONDO:0005045, HP:0001639.

Allele frequency attached by ClinVar (database versions not stated): ExAC 0.00001; gnomAD exomes 0.00001 and 0.00003; gnomAD 0.00004 and 0.00006; TOPMed 0.00005.

Submissions (4):

Labcorp Genetics (formerly Invitae), Labcorp
Classification: Likely benign for Dilated cardiomyopathy 1R; Hypertrophic cardiomyopathy 11; Atrial septal defect 5. Last evaluated: 2026-01-27. Review status: criteria provided, single submitter. Criteria: Invitae Variant Classification Sherloc (09022015). Collection method: clinical testing. Allele origin: germline.

All of Us Research Program, National Institutes of Health
Classification: Likely benign for Hypertrophic cardiomyopathy. Last evaluated: 2023-12-13. Review status: criteria provided, single submitter. Criteria: ACMG Guidelines, 2015. Collection method: clinical testing. Allele origin: germline. Inheritance: Autosomal dominant inheritance. Observed: 3 variant alleles, 3 heterozygotes.
Comment: This study involves interpretation of variants in research participants for the purpose of population health screening. Participant phenotype was not available at the time of variant classification. Additional details can be found in publication PMID: 35346344, PMCID: PMC8962531

Ambry Genetics
Classification: Likely benign for Cardiovascular phenotype. Last evaluated: 2023-08-29. Review status: criteria provided, single submitter. Criteria: Ambry Variant Classification Scheme 2023. Collection method: clinical testing. Allele origin: germline.

Color Diagnostics, LLC DBA Color Health
Classification: Likely benign for Cardiomyopathy. Last evaluated: 2019-12-09. Review status: criteria provided, single submitter. Criteria: ACMG Guidelines, 2015. Collection method: clinical testing. Allele origin: germline.

NM_005159.5(ACTC1):c.652C>T (p.Leu218=)

Genes: GJD2-DT (GJD2 divergent transcript; plus strand), ACTC1 (actin alpha cardiac muscle 1; minus strand). Cytogenetic location: 15q14.
Variant type: single nucleotide variant.
Coding change: c.652C>T on transcript NM_005159.5 (MANE Select); coding-DNA position 652, C replaced by T.
Protein change: p.Leu218=; no amino-acid change (leucine 218 retained).
Molecular consequence: synonymous variant.
Genome position (GRCh38, 1-based): chr15:34,792,246, G>A on the plus strand (C>T on the coding strand, the complement: ACTC1 is on the minus strand). VCF-style: chr15-34792246-G-A. GRCh37 (hg19) VCF-style: chr15-35084447-G-A.
Identifiers: ClinVar variation 919733 (VCV000919733.9), dbSNP rs760269526, ClinGen allele CA042478.